The following is an entry in ClinVar:

ClinVar aggregate classification (germline): Likely pathogenic (1 of 4 stars; one submission).

Conditions:
Joubert syndrome 9 (JBTS9). Identifiers: Orphanet 2318, MedGen C2676788, MONDO:0012849, OMIM 612285.

Allele frequency attached by ClinVar (database versions not stated): gnomAD exomes below 0.00001.

Submission:

Ocular Genomics Institute, Massachusetts Eye and Ear
Classification: Likely pathogenic for Joubert syndrome 9. Last evaluated: 2021-04-08. Review status: criteria provided, single submitter. Criteria: ACMG Guidelines, 2015. Collection method: research. Allele origin: germline. Affected: yes.
Comment: Through a review of available evidence we were able to apply the following criteria: PVS1, PM2. Based on this evidence we have classified this variant as Likely Pathogenic.

NM_001378615.1(CC2D2A):c.3195del (p.Gln1065fs)

Genes: CC2D2A (coiled-coil and C2 domain containing 2A; plus strand), FBXL5 (F-box and leucine rich repeat protein 5; minus strand). Cytogenetic location: 4p15.32.
Variant type: Deletion.
Coding change: c.3195del on transcript NM_001378615.1 (MANE Select); coding-DNA position 3195, one base deleted (G; older notation c.3195delG).
Protein change: p.Gln1065fs; shifts the reading frame from glutamine 1065.
Molecular consequence: frameshift variant.
Genome position (GRCh38, 1-based): chr4:15,567,389, G deleted. VCF-style (leftmost placement, unchanged base first): chr4-15567388-AG-A. GRCh37 (hg19) VCF-style: chr4-15569011-AG-A.
Other names: c.3195del, p.Gln1065fs (NM_001080522.2); c.3048del, p.Gln1016fs (NM_001378617.1); short protein forms Q1016fs, Q1065fs.
Identifiers: ClinVar variation 1065787 (VCV001065787.1), dbSNP rs2109070129, ClinGen allele CA2499217131.
Genomic context (GRCh38, chr4:15,567,388, plus strand): 5'-AATTAGACTTCCTCTATCATTAATTTCCTTCATACATTTTCTCTCCTAGCAAATTCCAGC[AG>A]CCGTCGAGGTCTTCAAGGATGTTCAGTGAAAAGCATGCTGCTTCCCCAAGCACGTACAGC-3'